The following is an entry in ClinVar:

ClinVar aggregate classification (germline): Uncertain significance. Review status: criteria provided, multiple submitters, no conflicts (2 of 4 stars). 3 submissions from 3 submitters: Uncertain significance (3). Last evaluated 2026-08-15.

Conditions:
Atrial septal defect 3 (ASD3). Identifiers: Orphanet 1478, MedGen C3279790, MONDO:0013567, OMIM 614089.
Sick sinus syndrome 3, susceptibility to (SSS3). Identifiers: Orphanet 166282, MedGen C3279791, MONDO:0013568, OMIM 614090.
Hypertrophic cardiomyopathy 1 (CMH1). Also called: Familial hypertrophic cardiomyopathy 1; MYH7-Related Familial Hypertrophic Cardiomyopathy. Identifiers: MedGen C3495498, MONDO:0008647, OMIM 192600.
Dilated cardiomyopathy 1EE (CMD1EE). Identifiers: Orphanet 154, MedGen C2750466, MONDO:0013198, OMIM 613252.
Hypertrophic cardiomyopathy 14. Identifiers: MedGen C2750467, MONDO:0013197, OMIM 613251.

Allele frequency attached by ClinVar (database versions not stated): TOPMed 0.00001; gnomAD 0.00001.
gnomAD v4.1: 8 of 1,614,106 alleles (0.0005%); highest among the groups gnomAD compares: African/African-American, 0.0013%; no homozygotes.

Submissions (3):

GeneDx
Classification: Uncertain significance. Last evaluated: 2026-08-15. Review status: criteria provided, single submitter. Criteria: GeneDx Variant Classification Process June 2021. Collection method: clinical testing. Allele origin: germline.
Comment: Not observed at significant frequency in large population cohorts (gnomAD); In silico analysis suggests that this missense variant does not alter protein structure/function; Has not been previously published as pathogenic or benign to our knowledge

Labcorp Genetics (formerly Invitae), Labcorp
Classification: Uncertain significance for Hypertrophic cardiomyopathy 14. Last evaluated: 2025-09-05. Review status: criteria provided, single submitter. Criteria: Invitae Variant Classification Sherloc (09022015). Collection method: clinical testing. Allele origin: germline.
Comment: This sequence change replaces alanine, which is neutral and non-polar, with serine, which is neutral and polar, at codon 682 of the MYH6 protein (p.Ala682Ser). This variant is not present in population databases (gnomAD no frequency). This variant has not been reported in the literature in individuals affected with MYH6-related conditions. ClinVar contains an entry for this variant (Variation ID: 1427970). Invitae Evidence Modeling of protein sequence and biophysical properties (such as structural, functional, and spatial information, amino acid conservation, physicochemical variation, residue mobility, and thermodynamic stability) indicates that this missense variant is not expected to disrupt MYH6 protein function with a negative predictive value of 80%. In summary, the available evidence is currently insufficient to determine the role of this variant in disease. Therefore, it has been classified as a Variant of Uncertain Significance.

Fulgent Genetics
Classification: Uncertain significance for Hypertrophic cardiomyopathy 1; Hypertrophic cardiomyopathy 14; Dilated cardiomyopathy 1EE; Atrial septal defect 3; Sick sinus syndrome 3, susceptibility to. Last evaluated: 2021-11-02. Review status: criteria provided, single submitter. Criteria: ACMG Guidelines, 2015. Collection method: clinical testing. Allele origin: unknown.

NM_002471.4(MYH6):c.2044G>T (p.Ala682Ser)

Gene: MYH6 (myosin heavy chain 6; minus strand). Cytogenetic location: 14q11.2.
Variant type: single nucleotide variant.
Coding change: c.2044G>T on transcript NM_002471.4 (MANE Select); coding-DNA position 2044, G replaced by T.
Protein change: p.Ala682Ser; replaces alanine 682 with serine.
Molecular consequence: missense variant.
Genome position (GRCh38, 1-based): chr14:23,397,176, C>A on the plus strand (G>T on the coding strand, the complement: MYH6 is on the minus strand). VCF-style: chr14-23397176-C-A. GRCh37 (hg19) VCF-style: chr14-23866385-C-A.
Other names: c.2044G>T (NM_002471.3); short protein forms A682S.
Identifiers: ClinVar variation 1427970 (VCV001427970.11), dbSNP rs927752391, ClinGen allele CA257790973.
Genomic context (GRCh38, chr14:23,397,176, plus strand): 5'-GGGTAAAGTGGATGCCAGCTGTCCTCCCCAGACTAAGGTCTTCTCCTGGCTCACCTGGAG[C>A]CTTCCGCTCATTGGGGATGATGCAACGCACAAAGTGAGGATGGGTGGTCCTCAGGTTGGT-3'
Protein context (NP_002462.2, residues 672-692): VRCIIPNERK[Ala682Ser]PGVMDNPLVM